The following is an entry in ClinVar:

ClinVar aggregate classification (germline): Likely benign. Review status: criteria provided, multiple submitters, no conflicts (2 of 4 stars). 2 submissions from 2 submitters: Likely benign (2). Last evaluated 2025-06-23.

Conditions:
Inborn genetic diseases. Identifiers: MedGen C0950123, MeSH D030342.
SMARCA2-related disorder. Also called: SMARCA2-related condition.

Allele frequency attached by ClinVar (database versions not stated): TOPMed 0.00003; 1000 Genomes Project 30x 0.00016; 1000 Genomes Project 0.00020; ExAC 0.00002.
gnomAD v4.1: 19 of 1,613,638 alleles (0.0012%); highest among the groups gnomAD compares: African/African-American, 0.017%; no homozygotes.

Submissions (2):

PreventionGenetics, part of Exact Sciences
Classification: Likely benign for SMARCA2-related condition. Last evaluated: 2025-06-23. Review status: criteria provided, single submitter. Criteria: ACMG Guidelines, 2015. Collection method: clinical testing. Allele origin: germline.
Comment: This variant is classified as likely benign based on ACMG/AMP sequence variant interpretation guidelines (Richards et al. 2015 PMID: 25741868, with internal and published modifications).

Ambry Genetics
Classification: Likely benign for Inborn genetic diseases. Last evaluated: 2016-06-18. Review status: criteria provided, single submitter. Criteria: Ambry Variant Classification Scheme 2023. Collection method: clinical testing. Allele origin: germline.

NM_003070.5(SMARCA2):c.744G>A (p.Thr248=)

Gene: SMARCA2 (SWI/SNF related BAF chromatin remodeling complex subunit ATPase 2; plus strand). Cytogenetic location: 9p24.3.
Variant type: single nucleotide variant.
Coding change: c.744G>A on transcript NM_003070.5 (MANE Select); coding-DNA position 744, G replaced by A.
Protein change: p.Thr248=; no amino-acid change (threonine 248 retained).
Molecular consequence: synonymous variant.
Genome position (GRCh38, 1-based): chr9:2,039,854, G>A. VCF-style: chr9-2039854-G-A. GRCh37 (hg19) VCF-style: chr9-2039854-G-A.
Other names: c.744G>A, p.Thr248= (NM_001289396.2, NM_001289397.2, NM_139045.4); c.744G>A (NM_003070.4).
Identifiers: ClinVar variation 589294 (VCV000589294.6), dbSNP rs530795662, ClinGen allele CA4962989.
Genomic context (GRCh38, chr9:2,039,854, plus strand): 5'-GCAGCAGCAGCAGCAGCAGCAGCAACAGCAGCCGCAGCAGCAGCCGCCGCAACCACAGAC[G>A]CAGCAACAACAGCAGCCGGCCCTTGTTAACTACAACAGACCATCTGGTAGGTTAATACGC-3'
Protein context (NP_003061.3, residues 238-258): QPQQQPPQPQ[Thr248=]QQQQQPALVN